The following is an entry in ClinVar:

NM_032043.3(BRIP1):c.1244T>C (p.Leu415Pro)

Gene: BRIP1 (BRCA1 interacting DNA helicase 1; minus strand). Cytogenetic location: 17q23.2.
Variant type: single nucleotide variant.
Coding change: c.1244T>C on transcript NM_032043.3 (MANE Select); coding-DNA position 1244, T replaced by C.
Protein change: p.Leu415Pro; replaces leucine 415 with proline.
Molecular consequence: missense variant.
Genome position (GRCh38, 1-based): chr17:61,799,196, A>G on the plus strand (T>C on the coding strand, the complement: BRIP1 is on the minus strand). VCF-style: chr17-61799196-A-G. GRCh37 (hg19) VCF-style: chr17-59876557-A-G.
Other names: short protein forms L415P.
Identifiers: ClinVar variation 4631072 (VCV004631072.1).

ClinVar aggregate classification (germline): Uncertain significance (1 of 4 stars; one submission).

Conditions:
Hereditary cancer-predisposing syndrome. Also called: Neoplastic Syndromes, Hereditary; Tumor predisposition; Hereditary Cancer Syndrome; Hereditary neoplastic syndrome. Identifiers: Orphanet 140162, MedGen C0027672, MeSH D009386, MONDO:0015356.

Submission:

Ambry Genetics
Classification: Uncertain significance for Hereditary cancer-predisposing syndrome. Last evaluated: 2025-11-25. Review status: criteria provided, single submitter. Criteria: Ambry Variant Classification Scheme 2023. Collection method: clinical testing. Allele origin: germline.
Comment: The p.L415P variant (also known as c.1244T>C), located in coding exon 8 of the BRIP1 gene, results from a T to C substitution at nucleotide position 1244. The leucine at codon 415 is replaced by proline, an amino acid with similar properties. This amino acid position is highly conserved in available vertebrate species. In addition, this alteration is predicted to be deleterious by in silico analysis. Based on the available evidence, the clinical significance of this variant remains unclear.

Literature cited by the submitters: PubMed 33619228.